The following is an entry in ClinVar:

NM_004714.3(DYRK1B):c.1856G>A (p.Arg619His)

Gene: DYRK1B (dual specificity tyrosine phosphorylation regulated kinase 1B; minus strand). Cytogenetic location: 19q13.2.
Variant type: single nucleotide variant.
Coding change: c.1856G>A on transcript NM_004714.3 (MANE Select); coding-DNA position 1856, G replaced by A.
Protein change: p.Arg619His; replaces arginine 619 with histidine.
Molecular consequence: missense variant.
Genome position (GRCh38, 1-based): chr19:39,825,749, C>T on the plus strand (G>A on the coding strand, the complement: DYRK1B is on the minus strand). VCF-style: chr19-39825749-C-T. GRCh37 (hg19) VCF-style: chr19-40316389-C-T.
Other names: c.1736G>A, p.Arg579His (NM_006483.3); c.1772G>A, p.Arg591His (NM_006484.3); c.1856G>A (NM_004714.2); short protein forms R591H, R619H, R579H.
Identifiers: ClinVar variation 4618179 (VCV004618179.2).

ClinVar aggregate classification (germline): Uncertain significance. Review status: criteria provided, multiple submitters, no conflicts (2 of 4 stars). 2 submissions from 2 submitters: Uncertain significance (2). Last evaluated 2025-11-13.

Conditions:
Inborn genetic diseases. Identifiers: MedGen C0950123, MeSH D030342.
DYRK1B-related disorder. Also called: DYRK1B-related condition.

gnomAD v4.1: 10 of 1,560,326 alleles (0.00064%); highest among the groups gnomAD compares: African/African-American, 0.0041%; no homozygotes.

Submissions (2):

Ambry Genetics
Classification: Uncertain significance for Inborn genetic diseases. Last evaluated: 2025-11-13. Review status: criteria provided, single submitter. Criteria: Ambry Variant Classification Scheme 2023. Collection method: clinical testing. Allele origin: germline.

PreventionGenetics, part of Exact Sciences
Classification: Uncertain significance for DYRK1B-related condition. Last evaluated: 2025-05-23. Review status: criteria provided, single submitter. Criteria: ACMG Guidelines, 2015. Collection method: clinical testing. Allele origin: germline.
Comment: The DYRK1B c.1856G>A variant is predicted to result in the amino acid substitution p.Arg619His. To our knowledge, this variant has not been reported in the literature. This variant is reported in 0.0060% of alleles in individuals of African descent in gnomAD. At this time, the clinical significance of this variant is uncertain due to the absence of conclusive functional and genetic evidence.